The following is an entry in ClinVar:

NM_000090.4(COL3A1):c.80-2A>T

Gene: COL3A1 (collagen type III alpha 1 chain; plus strand). Cytogenetic location: 2q32.2.
Variant type: single nucleotide variant.
Coding change: c.80-2A>T on transcript NM_000090.4 (MANE Select); the canonical splice acceptor site of the intron before coding-DNA position 80, A replaced by T.
Molecular consequence: splice acceptor variant.
Genome position (GRCh38, 1-based): chr2:188,984,758, A>T. VCF-style: chr2-188984758-A-T. GRCh37 (hg19) VCF-style: chr2-189849484-A-T.
Identifiers: ClinVar variation 1488632 (VCV001488632.11), dbSNP rs2153501340, ClinGen allele CA349846767.

ClinVar aggregate classification (germline): Likely pathogenic. Review status: criteria provided, multiple submitters, no conflicts (2 of 4 stars). 2 submissions from 2 submitters: Likely pathogenic (2). Last evaluated 2021-03-29.

Conditions:
Ehlers-Danlos syndrome, type 4 (EDSVASC). Also called: Ehlers-Danlos syndrome vascular type; Ehlers Danlos syndrome, ecchymotic type; Ehlers Danlos syndrome, arterial type; Ehlers Danlos syndrome, Sack-Barabas type; Ehlers-Danlos Syndrome Type IV. Identifiers: Orphanet 286, MedGen C0268338, MONDO:0017314, OMIM 130050.

Submissions (2):

Labcorp Genetics (formerly Invitae), Labcorp
Classification: Likely pathogenic for Ehlers-Danlos syndrome, type 4. Last evaluated: 2021-03-29. Review status: criteria provided, single submitter. Criteria: Invitae Variant Classification Sherloc (09022015). Collection method: clinical testing. Allele origin: germline.
Comment: In summary, the currently available evidence indicates that the variant is pathogenic, but additional data are needed to prove that conclusively. Therefore, this variant has been classified as Likely Pathogenic. Algorithms developed to predict the effect of sequence changes on RNA splicing suggest that this variant may disrupt the consensus splice site, but this prediction has not been confirmed by published transcriptional studies. This variant has not been reported in the literature in individuals with COL3A1-related conditions. This variant is not present in population databases (ExAC no frequency). This sequence change affects an acceptor splice site in intron 1 of the COL3A1 gene. It is expected to disrupt RNA splicing. Variants that disrupt the donor or acceptor splice site typically lead to a loss of protein function (PMID: 16199547), and loss-of-function variants in COL3A1 are known to be pathogenic (PMID: 24922459).

Juno Genomics, Hangzhou Juno Genomics, Inc
Classification: Likely pathogenic for Ehlers-Danlos syndrome, type 4. Review status: criteria provided, single submitter. Criteria: ACMG Guidelines, 2015. Collection method: clinical testing. Allele origin: germline.
Comment: Null variant in a gene where loss of function (LOF) is a known mechanism of disease.;Absent from controls (or at extremely low frequency if recessive) in Genome Aggregation Database.

Literature cited by the submitters: PubMed 16199547 (cited by Labcorp Genetics (formerly Invitae), Labcorp); PubMed 24922459 (cited by Labcorp Genetics (formerly Invitae), Labcorp).